The following is an entry in ClinVar:

ClinVar aggregate classification (germline): Pathogenic (1 of 4 stars; one submission).

Conditions:
Cohen syndrome (COH1). Also called: PEPPER SYNDROME; Cutis verticis gyrata, retinitis pigmentosa, and sensorineural deafness. Identifiers: Orphanet 193, MedGen C0265223, MONDO:0008999, OMIM 216550.

Submission:

Myriad Genetics, Inc.
Classification: Pathogenic for Cohen syndrome. Last evaluated: 2026-01-02. Review status: criteria provided, single submitter. Criteria: Myriad Autosomal Dominant, Autosomal Recessive and X-Linked Classification Criteria (2023). Collection method: clinical testing. Allele origin: unknown.
Comment: NM_017890.4(VPS13B):c.971delA(Y324Ffs*34) is a frameshift variant classified as pathogenic in the context of Cohen syndrome. Y324Ffs*34 has not been observed in cases with relevant disease. Relevant functional assessments of this variant are not available in the literature. Y324Ffs*34 has not been observed in referenced population frequency databases. In summary, NM_017890.4(VPS13B):c.971delA(Y324Ffs*34) is a frameshift variant in a gene where loss of function is a known mechanism of disease and is predicted to disrupt protein function. Please note: this variant was assessed in the context of healthy population screening.

NM_152564.5(VPS13B):c.971del (p.Tyr324fs)

Gene: VPS13B (vacuolar protein sorting 13 homolog B; plus strand). Cytogenetic location: 8q22.2.
Variant type: Deletion.
Coding change: c.971del on transcript NM_152564.5 (MANE Select); coding-DNA position 971, one base deleted (A; older notation c.971delA).
Protein change: p.Tyr324fs; shifts the reading frame from tyrosine 324.
Molecular consequence: frameshift variant. On other transcripts: non-coding transcript variant (1).
Genome position (GRCh38, 1-based): chr8:99,121,210, A deleted. VCF-style (leftmost placement, unchanged base first): chr8-99121209-TA-T. GRCh37 (hg19) VCF-style: chr8-100133437-TA-T.
Other names: c.971del, p.Tyr324fs (NM_015243.3, NM_017890.5, NM_181661.3); short protein forms Y324fs.
Identifiers: ClinVar variation 5004363 (VCV005004363.1).